The following is an entry in ClinVar:

ClinVar aggregate classification (germline): Pathogenic/Likely pathogenic. Review status: criteria provided, multiple submitters, no conflicts (2 of 4 stars). 5 submissions from 5 submitters: Pathogenic (2); Likely pathogenic (2). 1 of the submissions does not count toward it. Last evaluated 2026-05-30.

Conditions:
Neurofibromatosis, type 1 (NF1). Also called: NEUROFIBROMATOSIS, TYPE I, SOMATIC; Neurofibromatosis, type I; Peripheral type neurofibromatosis; VON RECKLINGHAUSEN DISEASE. Identifiers: Orphanet 636, MedGen C0027831, MONDO:0018975, OMIM 162200. Disease mechanism: loss of function.

Submissions (5):

NHS Central & South Genomic Laboratory Hub
Classification: Pathogenic for Neurofibromatosis type 1. Last evaluated: 2026-05-30. Review status: criteria provided, single submitter. Criteria: ACMG Guidelines, 2015. Collection method: clinical testing. Allele origin: germline. Affected: yes.

Labcorp Genetics (formerly Invitae), Labcorp
Classification: Pathogenic for Neurofibromatosis, type 1. Last evaluated: 2025-08-30. Review status: criteria provided, single submitter. Criteria: Invitae Variant Classification Sherloc (09022015). Collection method: clinical testing. Allele origin: germline.
Comment: This sequence change creates a premature translational stop signal (p.Gln1426*) in the NF1 gene. It is expected to result in an absent or disrupted protein product. Loss-of-function variants in NF1 are known to be pathogenic (PMID: 10712197, 23913538). This variant is not present in population databases (gnomAD no frequency). This premature translational stop signal has been observed in individual(s) with neurofibromatosis type 1 (PMID: 28961165, 30308447). In at least one individual the variant was observed to be de novo. Invitae Evidence Modeling of clinical and family history, age, sex, and reported ancestry of multiple individuals with this NF1 variant has been performed. This variant is expected to be pathogenic with a positive predictive value of at least 99%. This is a validated machine learning model that incorporates the clinical features of 1,785,918 individuals referred to our laboratory for NF1 testing. This variant is also known as c.4339C>T (p.Gln1447*). ClinVar contains an entry for this variant (Variation ID: 431638). For these reasons, this variant has been classified as Pathogenic.

Genome-Nilou Lab
Classification: Likely pathogenic for Neurofibromatosis, type 1. Last evaluated: 2022-03-15. Review status: criteria provided, single submitter. Criteria: ACMG Guidelines, 2015. Collection method: clinical testing. Allele origin: germline. Affected: no.

Center for Human Genetics, Inc
Classification: Likely pathogenic for Neurofibromatosis, type 1. Last evaluated: 2016-11-01. Review status: criteria provided, single submitter. Criteria: ACMG Guidelines, 2015. Collection method: clinical testing. Allele origin: germline. Affected: yes.

Medical Genetics, University of Parma
Classification: Pathogenic for Neurofibromatosis type 1. Last evaluated: 2017-02-02. Review status: no assertion criteria provided. Collection method: clinical testing. Allele origin: germline. Affected: yes. Not counted in ClinVar's aggregate classification.

Literature cited by the submitters: PubMed 10712197 (cited by Labcorp Genetics (formerly Invitae), Labcorp); PubMed 23913538 (cited by Labcorp Genetics (formerly Invitae), Labcorp); PubMed 28961165 (cited by Labcorp Genetics (formerly Invitae), Labcorp); PubMed 30308447 (cited by Labcorp Genetics (formerly Invitae), Labcorp).

NM_001042492.3(NF1):c.4339C>T (p.Gln1447Ter)

Gene: NF1 (neurofibromin 1; plus strand). Cytogenetic location: 17q11.2.
Variant type: single nucleotide variant.
Coding change: c.4339C>T on transcript NM_001042492.3 (MANE Select); coding-DNA position 4339, C replaced by T.
Protein change: p.Gln1447Ter; replaces glutamine 1447 with a stop codon.
Molecular consequence: nonsense.
Genome position (GRCh38, 1-based): chr17:31,259,038, C>T. VCF-style: chr17-31259038-C-T. GRCh37 (hg19) VCF-style: chr17-29586056-C-T.
Other names: c.4276C>T, p.Gln1426Ter (NM_000267.4); short protein forms Q1426*, Q1447*.
Identifiers: ClinVar variation 431638 (VCV000431638.8), dbSNP rs1135402857, ClinGen allele CA398998696.